The following is an entry in ClinVar:

NM_020436.5(SALL4):c.1757G>A (p.Arg586His)

Gene: SALL4 (spalt like transcription factor 4; minus strand). Cytogenetic location: 20q13.2.
Variant type: single nucleotide variant.
Coding change: c.1757G>A on transcript NM_020436.5 (MANE Select); coding-DNA position 1757, G replaced by A.
Protein change: p.Arg586His; replaces arginine 586 with histidine.
Molecular consequence: missense variant. On other transcripts: intron variant (1).
Genome position (GRCh38, 1-based): chr20:51,790,726, C>T on the plus strand (G>A on the coding strand, the complement: SALL4 is on the minus strand). VCF-style: chr20-51790726-C-T. GRCh37 (hg19) VCF-style: chr20-50407265-C-T.
Other names: c.1150+607G>A (NM_001318031.2); short protein forms R586H.
Identifiers: ClinVar variation 3682313 (VCV003682313.2).

ClinVar aggregate classification (germline): Uncertain significance (1 of 4 stars; one submission).

Conditions:
Duane-radial ray syndrome (DRRS). Also called: ACRORENOOCULAR SYNDROME; DR SYNDROME; DUANE ANOMALY WITH RADIAL RAY ABNORMALITIES AND DEAFNESS; Okihiro Syndrome; Duane-Radial Ray Syndrome (DRRS) / Okihiro Syndrome; Duane-Radial Ray Syndrome/Okihiro Syndrome. Identifiers: Orphanet 93293, Orphanet 959, MedGen C1623209, MONDO:0011812, OMIM 607323. Disease mechanism: gain of function.

gnomAD v4.1: 9 of 1,613,920 alleles (0.00056%); highest among the groups gnomAD compares: Admixed American, 0.0017%; no homozygotes.

Submission:

Labcorp Genetics (formerly Invitae), Labcorp
Classification: Uncertain significance for Duane-radial ray syndrome. Last evaluated: 2024-03-28. Review status: criteria provided, single submitter. Criteria: Invitae Variant Classification Sherloc (09022015). Collection method: clinical testing. Allele origin: germline.
Comment: This sequence change replaces arginine, which is basic and polar, with histidine, which is basic and polar, at codon 586 of the SALL4 protein (p.Arg586His). This variant is present in population databases (no rsID available, gnomAD 0.0009%). This variant has not been reported in the literature in individuals affected with SALL4-related conditions. An algorithm developed to predict the effect of missense changes on protein structure and function (PolyPhen-2) suggests that this variant is likely to be disruptive. In summary, the available evidence is currently insufficient to determine the role of this variant in disease. Therefore, it has been classified as a Variant of Uncertain Significance.